The following is an entry in ClinVar:

NM_000535.7(PMS2):c.784G>A (p.Ala262Thr)

Gene: PMS2 (PMS1 homolog 2, mismatch repair system component; minus strand). Cytogenetic location: 7p22.1.
Variant type: single nucleotide variant.
Coding change: c.784G>A on transcript NM_000535.7 (MANE Select); coding-DNA position 784, G replaced by A.
Protein change: p.Ala262Thr; replaces alanine 262 with threonine.
Molecular consequence: missense variant. On other transcripts: 5 prime UTR variant (2), non-coding transcript variant (1).
Genome position (GRCh38, 1-based): chr7:5,997,345, C>T on the plus strand (G>A on the coding strand, the complement: PMS2 is on the minus strand). VCF-style: chr7-5997345-C-T. GRCh37 (hg19) VCF-style: chr7-6036976-C-T.
Other names: c.379G>A, p.Ala127Thr (NM_001322003.2, NM_001322004.2, NM_001322005.2 and 2 more transcripts); c.784G>A, p.Ala262Thr (NM_001322006.2, NM_001322014.2); c.466G>A, p.Ala156Thr (NM_001322007.2, NM_001322008.2); c.-150G>A (NM_001322011.2, NM_001322012.2); c.211G>A, p.Ala71Thr (NM_001322013.2); c.475G>A, p.Ala159Thr (NM_001322015.2); short protein forms A262T, A71T, A127T, A156T, A159T.
Identifiers: ClinVar variation 187306 (VCV000187306.25), dbSNP rs779625900, ClinGen allele CA012842.

ClinVar aggregate classification (germline): Conflicting classifications of pathogenicity. Review status: criteria provided, conflicting classifications (1 of 4 stars). 8 submissions from 8 submitters: Uncertain significance (7); Likely benign (1). Last evaluated 2025-10-13.

Conditions:
Hereditary nonpolyposis colorectal neoplasms. Identifiers: MedGen C0009405, MeSH D003123.
Hereditary cancer-predisposing syndrome. Also called: Hereditary Cancer Syndrome; Hereditary neoplastic syndrome; Tumor predisposition; Neoplastic Syndromes, Hereditary. Identifiers: Orphanet 140162, MedGen C0027672, MeSH D009386, MONDO:0015356.
Lynch syndrome. Identifiers: Orphanet 144, MedGen C4552100, MONDO:0005835. Disease mechanism: loss of function.
Breast-ovarian cancer, familial, susceptibility to, 1 (BROVCA1). Also called: OVARIAN CANCER, SUSCEPTIBILITY TO; BRCA1 Hereditary Breast and Ovarian Cancer. Identifiers: Orphanet 145, MedGen C2676676, MONDO:0011450, OMIM 604370. Disease mechanism: loss of function.
Breast neoplasm. Also called: Neoplasm of the breast; Breast Neoplasms; Neoplasm of breast; Breast tumor. Identifiers: HP:0100013, MedGen C1458155, MeSH D001943, MONDO:0021100. Disease mechanism: gain of function.

Allele frequency attached by ClinVar (database versions not stated): gnomAD exomes below 0.00001; ExAC 0.00001.
gnomAD v4.1: 7 of 1,566,544 alleles (0.00045%); highest among the groups gnomAD compares: Non-Finnish European, 0.00062%; no homozygotes.

Submissions (8):

Labcorp Genetics (formerly Invitae), Labcorp
Classification: Likely benign for Hereditary nonpolyposis colorectal neoplasms. Last evaluated: 2025-10-13. Review status: criteria provided, single submitter. Criteria: Invitae Variant Classification Sherloc (09022015). Collection method: clinical testing. Allele origin: germline.

Institute of Immunology and Genetics Kaiserslautern
Classification: Uncertain significance for Breast-ovarian cancer, familial, susceptibility to, 1. Last evaluated: 2025-09-26. Review status: criteria provided, single submitter. Criteria: ACMG Guidelines, 2015. Collection method: clinical testing. Allele origin: germline. Affected: yes.
Comment: ACMG Criteria: BP4, PM2_P; Variant was found in heterozygous state.

Color Diagnostics, LLC DBA Color Health
Classification: Uncertain significance for Hereditary cancer-predisposing syndrome. Last evaluated: 2025-04-28. Review status: criteria provided, single submitter. Criteria: ACMG Guidelines, 2015. Collection method: clinical testing. Allele origin: germline.
Comment: This missense variant replaces alanine with threonine at codon 262 of the PMS2 protein. Computational prediction suggests that this variant may not impact protein structure and function. To our knowledge, functional studies have not been reported for this variant. This variant has not been reported in individuals affected with PMS2-related disorders in the literature. This variant has been identified in 1/250764 chromosomes in the general population by the Genome Aggregation Database (gnomAD). The available evidence is insufficient to determine the role of this variant in disease conclusively. Therefore, this variant is classified as a Variant of Uncertain Significance.

Ambry Genetics
Classification: Uncertain significance for Hereditary cancer-predisposing syndrome. Last evaluated: 2024-03-26. Review status: criteria provided, single submitter. Criteria: Ambry Variant Classification Scheme 2023. Collection method: clinical testing. Allele origin: germline.
Comment: The p.A262T variant (also known as c.784G>A), located in coding exon 7 of the PMS2 gene, results from a G to A substitution at nucleotide position 784. The alanine at codon 262 is replaced by threonine, an amino acid with similar properties. This amino acid position is well conserved in available vertebrate species; however, threonine is the reference amino acid in other vertebrate species. In addition, this alteration is predicted to be tolerated by in silico analysis. Based on the available evidence, the clinical significance of this alteration remains unclear.

All of Us Research Program, National Institutes of Health
Classification: Uncertain significance for Lynch syndrome. Last evaluated: 2023-12-01. Review status: criteria provided, single submitter. Criteria: ACMG Guidelines, 2015. Collection method: clinical testing. Allele origin: germline. Inheritance: Autosomal dominant inheritance. Observed: 5 variant alleles, 5 heterozygotes.
Comment: This missense variant replaces alanine with threonine at codon 262 of the PMS2 protein. Computational prediction suggests that this variant may not impact protein structure and function (internally defined REVEL score threshold <= 0.5, PMID: 27666373). To our knowledge, functional studies have not been reported for this variant. This variant has not been reported in individuals affected with PMS2-related disorders in the literature. This variant has been identified in 1/250764 chromosomes in the general population by the Genome Aggregation Database (gnomAD). The available evidence is insufficient to determine the role of this variant in disease conclusively. Therefore, this variant is classified as a Variant of Uncertain Significance.

This study involves interpretation of variants in research participants for the purpose of population health screening. Participant phenotype was not available at the time of variant classification. Additional details can be found in publication PMID: 35346344, PMCID: PMC8962531

Sema4
Classification: Uncertain significance for Hereditary cancer-predisposing syndrome. Last evaluated: 2021-06-18. Review status: criteria provided, single submitter. Criteria: Sema4 Curation Guidelines. Collection method: curation. Allele origin: germline.
Comment: The PMS2 c.784G>A (p.A262T) variant has not been reported in the literature to our knowledge. It was observed in 1/113494 chromosomes of the Non-Finnish European subpopulation in the large and broad cohorts of the Genome Aggregation Database. The variant has been reported in ClinVar (Variation ID 187306). In silico tools suggest the impact of the variant on protein function is inconclusive, though these predictions have not been confirmed by functional studies. The evidence is insufficient to meet ACMG/AMP criteria for classifying the variant as benign or pathogenic. Thus, the clinical significance of this variant is currently uncertain.

Institute of Human Genetics, University of Leipzig Medical Center
Classification: Uncertain significance for Neoplasm of the breast. Last evaluated: 2019-01-01. Review status: criteria provided, single submitter. Criteria: ACMG Guidelines, 2015. Collection method: clinical testing. Allele origin: unknown. Affected: yes.

GeneDx
Classification: Uncertain significance. Last evaluated: 2016-07-06. Review status: criteria provided, single submitter. Criteria: GeneDx Variant Classification (06012015). Collection method: clinical testing. Allele origin: germline. Affected: yes.
Comment: This variant is denoted PMS2 c.784G>A at the cDNA level, p.Ala262Thr (A262T) at the protein level, and results in the change of an Alanine to a Threonine (GCT>ACT). This variant has not, to our knowledge, been published in the literature as pathogenic or benign. PMS2 Ala262Thr was not observed in approximately 6,500 individuals of European and African American ancestry in the NHLBI Exome Sequencing Project, suggesting it is not a common benign variant in these populations. Since Alanine and Threonine differ in polarity, charge, size or other properties, this is considered a non-conservative amino acid substitution. PMS2 Ala262Thr occurs at a position that is not conserved and is located in the ATPase domain (Guarne 2001, Fukui 2011). In silico analyses predict that this variant is unlikely to alter protein structure or function. Based on currently available evidence, it is unclear whether PMS2 Ala262Thr is a pathogenic or benign variant. We consider it to be a variant of uncertain significance.